The following is an entry in ClinVar:

ClinVar aggregate classification (germline): Likely pathogenic. Review status: criteria provided, multiple submitters, no conflicts (2 of 4 stars). 2 submissions from 2 submitters: Likely pathogenic (2). Last evaluated 2024-06-19.

Conditions:
Tumoral calcinosis, hyperphosphatemic, familial, 1. Also called: CALCINOSIS, TUMORAL, WITH HYPERPHOSPHATEMIA; LIPOCALCINOGRANULOMATOSIS; MORBUS TEUTSCHLAENDER; TEUTSCHLAENDER DISEASE, FAMILIAL; TUMORAL CALCINOSIS, PRIMARY HYPERPHOSPHATEMIC; HYPEROSTOSIS WITH HYPERPHOSPHATEMIA. Identifiers: Orphanet 53715, MedGen C4692564, MONDO:0100252, OMIM 211900.

Allele frequency attached by ClinVar (database versions not stated): gnomAD exomes below 0.00001.
gnomAD v4.1: 1 of 1,555,416 alleles (0.000064%); highest among the groups gnomAD compares: Admixed American, 0.0017%; no homozygotes.

Submissions (2):

Fulgent Genetics
Classification: Likely pathogenic for Tumoral calcinosis, hyperphosphatemic, familial, 1. Last evaluated: 2024-06-19. Review status: criteria provided, single submitter. Criteria: ACMG Guidelines, 2015. Collection method: clinical testing. Allele origin: germline.

Labcorp Genetics (formerly Invitae), Labcorp
Classification: Likely pathogenic. Last evaluated: 2023-10-29. Review status: criteria provided, single submitter. Criteria: Invitae Variant Classification Sherloc (09022015). Collection method: clinical testing. Allele origin: germline.
Comment: This sequence change affects an acceptor splice site in intron 5 of the GALNT3 gene. It is expected to disrupt RNA splicing. Variants that disrupt the donor or acceptor splice site typically lead to a loss of protein function (PMID: 16199547), and loss-of-function variants in GALNT3 are known to be pathogenic (PMID: 15133511, 20358599). This variant is present in population databases (no rsID available, gnomAD 0.003%). This variant has not been reported in the literature in individuals affected with GALNT3-related conditions. Algorithms developed to predict the effect of sequence changes on RNA splicing suggest that this variant may disrupt the consensus splice site. In summary, the currently available evidence indicates that the variant is pathogenic, but additional data are needed to prove that conclusively. Therefore, this variant has been classified as Likely Pathogenic.

Literature cited by the submitters: PubMed 16199547 (cited by Labcorp Genetics (formerly Invitae), Labcorp); PubMed 15133511 (cited by Labcorp Genetics (formerly Invitae), Labcorp); PubMed 20358599 (cited by Labcorp Genetics (formerly Invitae), Labcorp).

NM_004482.4(GALNT3):c.1074-1G>C

Gene: GALNT3 (polypeptide N-acetylgalactosaminyltransferase 3; minus strand). Cytogenetic location: 2q24.3.
Variant type: single nucleotide variant.
Coding change: c.1074-1G>C on transcript NM_004482.4 (MANE Select); the canonical splice acceptor site of the intron before coding-DNA position 1074, G replaced by C.
Molecular consequence: splice acceptor variant.
Genome position (GRCh38, 1-based): chr2:165,758,865, C>G on the plus strand (G>C on the coding strand, the complement: GALNT3 is on the minus strand). VCF-style: chr2-165758865-C-G. GRCh37 (hg19) VCF-style: chr2-166615375-C-G.
Identifiers: ClinVar variation 2796073 (VCV002796073.4), dbSNP rs1188058763, ClinGen allele CA349037046.